The following is an entry in ClinVar:

NM_001374353.1(GLI2):c.31G>A (p.Glu11Lys)

Gene: GLI2 (GLI family zinc finger 2; plus strand). Cytogenetic location: 2q14.2.
Variant type: single nucleotide variant.
Coding change: c.31G>A on transcript NM_001374353.1 (MANE Select); coding-DNA position 31, G replaced by A.
Protein change: p.Glu11Lys; replaces glutamic acid 11 with lysine.
Molecular consequence: missense variant. On other transcripts: 5 prime UTR variant (1).
Genome position (GRCh38, 1-based): chr2:120,797,351, G>A. VCF-style: chr2-120797351-G-A. GRCh37 (hg19) VCF-style: chr2-121554927-G-A.
Other names: c.31G>A, p.Glu11Lys (NM_001371271.1, NM_005270.5); c.-239G>A (NM_001374354.1); short protein forms E11K.
Identifiers: ClinVar variation 330961 (VCV000330961.7), dbSNP rs574656730, ClinGen allele CA1851379.
Genomic context (GRCh38, chr2:120,797,351, plus strand): 5'-GATTGCCACCCAGGACGATGAGCGGCTGAGATGGAGACGTCTGCCTCAGCCACTGCCTCC[G>A]AGAAGCAAGAAGCCAAAAGTGGGATCCTGGAGGCCGCTGGCTTCCCCGACCCGGGTAAAA-3'
Protein context (NP_001361282.1, residues 1-21): METSASATAS[Glu11Lys]KQEAKSGILE

ClinVar aggregate classification (germline): Uncertain significance. Review status: criteria provided, multiple submitters, no conflicts (2 of 4 stars). 2 submissions from 2 submitters: Uncertain significance (2). Last evaluated 2025-02-03.

Conditions:
Holoprosencephaly 9 (HPE9). Also called: PITUITARY ANOMALIES WITH HOLOPROSENCEPHALY-LIKE FEATURES; HOLOPROSENCEPHALY WITH MICROPHTHALMIA AND FIRST BRANCHIAL ARCH ANOMALIES. Identifiers: Orphanet 2162, MedGen C1835819, MONDO:0012563, OMIM 610829.
Postaxial polydactyly-anterior pituitary anomalies-facial dysmorphism syndrome. Also called: Culler-Jones syndrome. Identifiers: Orphanet 420584, MedGen C4014479, MONDO:0014369, OMIM 615849.

Allele frequency attached by ClinVar (database versions not stated): ExAC 0.00001; gnomAD 0.00001 and 0.00002; gnomAD exomes 0.00001; TOPMed 0.00003; 1000 Genomes Project 0.00020; 1000 Genomes Project 30x 0.00031.
gnomAD v4.1: 21 of 1,614,086 alleles (0.0013%); highest among the groups gnomAD compares: Middle Eastern, 0.066%; no homozygotes.

Submissions (2):

Labcorp Genetics (formerly Invitae), Labcorp
Classification: Uncertain significance for Postaxial polydactyly-anterior pituitary anomalies-facial dysmorphism syndrome; Holoprosencephaly 9. Last evaluated: 2025-02-03. Review status: criteria provided, single submitter. Criteria: Invitae Variant Classification Sherloc (09022015). Collection method: clinical testing. Allele origin: germline.
Comment: This sequence change replaces glutamic acid, which is acidic and polar, with lysine, which is basic and polar, at codon 11 of the GLI2 protein (p.Glu11Lys). This variant is present in population databases (rs574656730, gnomAD 0.002%). This variant has not been reported in the literature in individuals affected with GLI2-related conditions. ClinVar contains an entry for this variant (Variation ID: 330961). An algorithm developed to predict the effect of missense changes on protein structure and function (PolyPhen-2) suggests that this variant is likely to be tolerated. In summary, the available evidence is currently insufficient to determine the role of this variant in disease. Therefore, it has been classified as a Variant of Uncertain Significance.

Illumina Laboratory Services, Illumina
Classification: Uncertain significance for Holoprosencephaly 9. Last evaluated: 2018-01-12. Review status: criteria provided, single submitter. Criteria: ICSL Variant Classification Criteria 13 December 2019. Collection method: clinical testing. Allele origin: germline.